The following is an entry in ClinVar:

ClinVar aggregate classification (germline): Benign. Review status: criteria provided, single submitter (1 of 4 stars). 2 submissions from 2 submitters: Benign (1). 1 of the submissions does not count toward it. Last evaluated 2026-01-10.

Conditions:
Atrioventricular septal defect 4 (AVSD4). Identifiers: MedGen C3280781, MONDO:0013747, OMIM 614430.
GATA4-related disorder. Also called: GATA4-related condition. Identifiers: MedGen CN860321.

Allele frequency attached by ClinVar (database versions not stated): gnomAD exomes 0.00010; gnomAD 0.00006; TOPMed 0.00008; ExAC 0.00013.
gnomAD v4.1: 78 of 1,614,002 alleles (0.0048%); highest among the groups gnomAD compares: East Asian, 0.074%; no homozygotes.

Submissions (2):

Labcorp Genetics (formerly Invitae), Labcorp
Classification: Benign for Atrioventricular septal defect 4. Last evaluated: 2026-01-10. Review status: criteria provided, single submitter. Criteria: Invitae Variant Classification Sherloc (09022015). Collection method: clinical testing. Allele origin: germline.

PreventionGenetics, part of Exact Sciences
Classification: Likely benign for GATA4-related condition. Last evaluated: 2019-07-15. Review status: no assertion criteria provided. Collection method: clinical testing. Allele origin: germline. Not counted in ClinVar's aggregate classification.
Comment: This variant is classified as likely benign based on ACMG/AMP sequence variant interpretation guidelines (Richards et al. 2015 PMID: 25741868, with internal and published modifications).

NM_001308093.3(GATA4):c.1329G>A (p.Ala443=)

Gene: GATA4 (GATA binding protein 4). Cytogenetic location: 8p23.1.
Variant type: single nucleotide variant.
Coding change: c.1329G>A on transcript NM_001308093.3 (MANE Select); coding-DNA position 1329, G replaced by A.
Protein change: p.Ala443=; no amino-acid change (alanine 443 retained).
Molecular consequence: synonymous variant.
Genome position (GRCh38, 1-based): chr8:11,758,472, G>A. VCF-style: chr8-11758472-G-A. GRCh37 (hg19) VCF-style: chr8-11615981-G-A.
Other names: c.708G>A, p.Ala236= (NM_001308094.2, NM_001374273.1); c.582G>A, p.Ala194= (NM_001374274.1); c.1326G>A, p.Ala442= (NM_002052.5); c.1326G>A (NM_002052.4).
Identifiers: ClinVar variation 696323 (VCV000696323.11), dbSNP rs745735974, ClinGen allele CA4630915.
Genomic context (GRCh38, chr8:11,758,472, plus strand): 5'-CAAGCAGGACTCTTGGAACAGCCTGGTCTTGGCCGACAGTCACGGGGACATAATCACTGC[G>A]TAATCTTCCCTCTTCCCTCCTCAAATTCCTGCACGGACCTGGGACTTGGAGGATAGCAAA-3'
Protein context (NP_001295022.1, residues 433-443): LADSHGDIIT[Ala443=]